The following is an entry in ClinVar:

NM_000135.4(FANCA):c.1037G>A (p.Trp346Ter)

Gene: FANCA (FA complementation group A; minus strand). Cytogenetic location: 16q24.3.
Variant type: single nucleotide variant.
Coding change: c.1037G>A on transcript NM_000135.4 (MANE Select); coding-DNA position 1037, G replaced by A.
Protein change: p.Trp346Ter; replaces tryptophan 346 with a stop codon.
Molecular consequence: nonsense.
Genome position (GRCh38, 1-based): chr16:89,792,517, C>T on the plus strand (G>A on the coding strand, the complement: FANCA is on the minus strand). VCF-style: chr16-89792517-C-T. GRCh37 (hg19) VCF-style: chr16-89858925-C-T.
Other names: c.1037G>A (NM_000135.3); c.1037G>A, p.Trp346Ter (NM_001286167.3); short protein forms W346*.
Identifiers: ClinVar variation 2675462 (VCV002675462.2), dbSNP rs2040109989, ClinGen allele CA397466807.

ClinVar aggregate classification (germline): Likely pathogenic. Review status: criteria provided, multiple submitters, no conflicts (2 of 4 stars). 2 submissions from 2 submitters: Likely pathogenic (2). Last evaluated 2024-09-21.

Conditions:
Fanconi anemia (FA). Also called: Fanconi's anemia. Identifiers: Orphanet 84, MedGen C0015625, MeSH D005199, MONDO:0019391.
Fanconi anemia complementation group A (FANCA). Also called: FANCA-Related Fanconi Anemia; Fanconi anemia, group A. Identifiers: Orphanet 84, MedGen C3469521, MONDO:0009215, OMIM 227650.

Submissions (2):

Natera, Inc.
Classification: Likely pathogenic for Fanconi anemia. Last evaluated: 2024-09-21. Review status: criteria provided, single submitter. Criteria: Natera Variant Classification Schema (03/2026). Collection method: clinical testing. Allele origin: germline.
Comment: The c.1037G>A variant in FANCA is a nonsense variant predicted to introduce a stop codon at amino acid 346. This variant is expected to result in nonsense mediated decay, truncation, or a dysfunctional protein product. This variant is rare in the general population with a frequency below the threshold expected for the associated phenotype(s). Given the available evidence, this variant is classified as Likely Pathogenic.

Baylor Genetics
Classification: Likely pathogenic for Fanconi anemia complementation group A. Last evaluated: 2021-12-09. Review status: criteria provided, single submitter. Criteria: ACMG Guidelines, 2015. Collection method: clinical testing. Allele origin: unknown.